The following is an entry in ClinVar:

ClinVar aggregate classification (germline): Likely benign. Review status: criteria provided, single submitter (1 of 4 stars). 2 submissions from 2 submitters: Likely benign (1). 1 of the submissions does not count toward it. Last evaluated 2025-04-29.

Conditions:
CAMK2B-related disorder. Also called: CAMK2B-related condition.

Allele frequency attached by ClinVar (database versions not stated): gnomAD 0.00001; gnomAD exomes 0.00001; TOPMed 0.00001; 1000 Genomes Project 30x 0.00016; 1000 Genomes Project 0.00020.
gnomAD v4.1: 13 of 1,613,156 alleles (0.00081%); highest among the groups gnomAD compares: Middle Eastern, 0.016%; no homozygotes.

Submissions (2):

Labcorp Genetics (formerly Invitae), Labcorp
Classification: Likely benign. Last evaluated: 2025-04-29. Review status: criteria provided, single submitter. Criteria: Invitae Variant Classification Sherloc (09022015). Collection method: clinical testing. Allele origin: germline.

PreventionGenetics, part of Exact Sciences
Classification: Likely benign for CAMK2B-related condition. Last evaluated: 2020-04-29. Review status: no assertion criteria provided. Collection method: clinical testing. Allele origin: germline. Not counted in ClinVar's aggregate classification.
Comment: This variant is classified as likely benign based on ACMG/AMP sequence variant interpretation guidelines (Richards et al. 2015 PMID: 25741868, with internal and published modifications).

NM_001220.5(CAMK2B):c.1800G>A (p.Thr600=)

Gene: CAMK2B (calcium/calmodulin dependent protein kinase II beta; minus strand). Cytogenetic location: 7p13.
Variant type: single nucleotide variant.
Coding change: c.1800G>A on transcript NM_001220.5 (MANE Select); coding-DNA position 1800, G replaced by A.
Protein change: p.Thr600=; no amino-acid change (threonine 600 retained).
Molecular consequence: synonymous variant.
Genome position (GRCh38, 1-based): chr7:44,220,263, C>T on the plus strand (G>A on the coding strand, the complement: CAMK2B is on the minus strand). VCF-style: chr7-44220263-C-T. GRCh37 (hg19) VCF-style: chr7-44259862-C-T.
Other names: c.1800G>A (NM_001220.4); c.1428G>A, p.Thr476= (NM_001293170.2, NM_172078.3); c.1356G>A, p.Thr452= (NM_172079.3); c.1353G>A, p.Thr451= (NM_172080.3); c.1311G>A, p.Thr437= (NM_172081.3); c.1278G>A, p.Thr426= (NM_172082.3); c.1239G>A, p.Thr413= (NM_172083.3); c.1149G>A, p.Thr383= (NM_172084.3).
Identifiers: ClinVar variation 1626867 (VCV001626867.10), dbSNP rs200808092, ClinGen allele CA157909296.